The following is an entry in ClinVar:

NM_000494.4(COL17A1):c.2868T>A (p.Pro956=)

Gene: COL17A1 (collagen type XVII alpha 1 chain; minus strand). Cytogenetic location: 10q25.1.
Variant type: single nucleotide variant.
Coding change: c.2868T>A on transcript NM_000494.4 (MANE Select); coding-DNA position 2868, T replaced by A.
Protein change: p.Pro956=; no amino-acid change (proline 956 retained).
Molecular consequence: synonymous variant.
Genome position (GRCh38, 1-based): chr10:104,039,473, A>T on the plus strand (T>A on the coding strand, the complement: COL17A1 is on the minus strand). VCF-style: chr10-104039473-A-T. GRCh37 (hg19) VCF-style: chr10-105799231-A-T.
Other names: c.2868T>A, p.Pro956= (LRG_1249t1).
Identifiers: ClinVar variation 298701 (VCV000298701.14), dbSNP rs61731077, ClinGen allele CA5678207.
Genomic context (GRCh38, chr10:104,039,473, plus strand): 5'-CCTCACCACCTTCTCACTGCTCCCTCACTGACCTTTGTCACCTTTGGGTCCCTGGGGGCC[A>T]GGTGGGCCTGGTGGTCCCTGAAGGTTGAGTCCGAAAGAACTGGACCCTGGAAGCCAACAA-3'
Protein context (NP_000485.3, residues 946-966): GLNLQGPPGP[Pro956=]GPQGPKGDKG

ClinVar aggregate classification (germline): Benign. Review status: criteria provided, multiple submitters, no conflicts (2 of 4 stars). 3 submissions from 3 submitters: Benign (3). Last evaluated 2026-02-02.

Conditions:
Junctional epidermolysis bullosa, non-Herlitz type. Also called: EPIDERMOLYSIS BULLOSA JUNCTIONALIS, DISENTIS TYPE; EPIDERMOLYSIS BULLOSA JUNCTIONALIS, NON-HERLITZ TYPE; EPIDERMOLYSIS BULLOSA JUNCTIONALIS, PROGRESSIVE; EPIDERMOLYSIS BULLOSA JUNCTIONALIS, SEVERE NONLETHAL; Adult junctional epidermolysis bullosa; Epidermolysis bullosa, junctional, non-herlitz type, somatic mosaic revertant. Identifiers: Orphanet 251393, Orphanet 79402, Orphanet 79405, Orphanet 89840, MedGen C0268374, MONDO:0009180, OMIM 226650.

Allele frequency attached by ClinVar (database versions not stated): gnomAD exomes 0.00098 and 0.00265; ExAC 0.00315; gnomAD 0.01004 and 0.01081; 1000 Genomes Project 0.01098; ESP Exome Variant Server 0.01123; 1000 Genomes Project 30x 0.01124.
gnomAD v4.1: 3,037 of 1,614,076 alleles (0.19%); highest among the groups gnomAD compares: African/African-American, 3.5%; 46 homozygotes.

Submissions (3):

Labcorp Genetics (formerly Invitae), Labcorp
Classification: Benign. Last evaluated: 2026-02-02. Review status: criteria provided, single submitter. Criteria: Invitae Variant Classification Sherloc (09022015). Collection method: clinical testing. Allele origin: germline.

Illumina Laboratory Services, Illumina
Classification: Benign for Junctional epidermolysis bullosa, non-Herlitz type. Last evaluated: 2018-01-13. Review status: criteria provided, single submitter. Criteria: ICSL Variant Classification Criteria 13 December 2019. Collection method: clinical testing. Allele origin: germline.
Comment: This variant was observed in the ICSL laboratory as part of a predisposition screen in an ostensibly healthy population. It had not been previously curated by ICSL or reported in the Human Gene Mutation Database (HGMD: prior to June 1st, 2018), and was therefore a candidate for classification through an automated scoring system. Utilizing variant allele frequency, disease prevalence and penetrance estimates, and inheritance mode, an automated score was calculated to assess if this variant is too frequent to cause the disease. Based on the score and internal cut-off values, a variant classified as benign is not then subjected to further curation. The score for this variant resulted in a classification of benign for this disease.

Breakthrough Genomics
Classification: Benign. Review status: criteria provided, single submitter. Criteria: ACMG Guidelines, 2015. Collection method: not provided. Allele origin: germline. Inheritance: Autosomal recessive inheritance. Affected: yes.